The following is an entry in ClinVar:

NM_005068.3(SIM1):c.503T>C (p.Leu168Ser)

Gene: SIM1 (SIM bHLH transcription factor 1; minus strand). Cytogenetic location: 6q16.3.
Variant type: single nucleotide variant.
Coding change: c.503T>C on transcript NM_005068.3 (MANE Select); coding-DNA position 503, T replaced by C.
Protein change: p.Leu168Ser; replaces leucine 168 with serine.
Molecular consequence: missense variant.
Genome position (GRCh38, 1-based): chr6:100,449,403, A>G on the plus strand (T>C on the coding strand, the complement: SIM1 is on the minus strand). VCF-style: chr6-100449403-A-G. GRCh37 (hg19) VCF-style: chr6-100897279-A-G.
Other names: c.503T>C, p.Leu168Ser (NM_001374769.1); short protein forms L168S.
Identifiers: ClinVar variation 3347628 (VCV003347628.1).

ClinVar aggregate classification (germline): Uncertain significance (0 of 4 stars; one submission).

Conditions:
SIM1-related disorder. Also called: SIM1-related condition; SIM1-related disorders.

Submission:

PreventionGenetics, part of Exact Sciences
Classification: Uncertain significance for SIM1-related condition. Last evaluated: 2024-07-01. Review status: no assertion criteria provided. Collection method: clinical testing. Allele origin: germline.
Comment: The SIM1 c.503T>C variant is predicted to result in the amino acid substitution p.Leu168Ser. To our knowledge, this variant has not been reported in the literature or in a large population database, indicating this variant is rare. At this time, the clinical significance of this variant is uncertain due to the absence of conclusive functional and genetic evidence.